The following is an entry in ClinVar:

ClinVar aggregate classification (germline): Uncertain significance (1 of 4 stars; one submission).

Conditions:
Dilated cardiomyopathy 1AA (CMD1AA). Also called: CARDIOMYOPATHY, DILATED, 1AA, WITH OR WITHOUT LEFT VENTRICULAR NONCOMPACTION; CARDIOMYOPATHY, FAMILIAL HYPERTROPHIC, 23, WITH OR WITHOUT LEFT VENTRICULAR NONCOMPACTION; Cardiomyopathy, dilated, 1AA, with or without LVNC. Identifiers: Orphanet 154, MedGen C2677338, MONDO:0012808, OMIM 612158.
Primary familial hypertrophic cardiomyopathy (HCM). Identifiers: Orphanet 99739, MedGen C0949658, MeSH D024741, MONDO:0024573. Inheritance: Various modes of inheritance.

Submission:

Labcorp Genetics (formerly Invitae), Labcorp
Classification: Uncertain significance for Primary familial hypertrophic cardiomyopathy; Dilated cardiomyopathy 1AA. Last evaluated: 2022-08-24. Review status: criteria provided, single submitter. Criteria: Invitae Variant Classification Sherloc (09022015). Collection method: clinical testing. Allele origin: germline.
Comment: A copy number gain of the genomic region encompassing the full coding sequence of the ACTN2 gene has been identified. The boundaries of this event are unknown as they extend beyond the assayed region for this gene and therefore may encompass additional genes. As the precise location of this event is unknown, it may be in tandem or it may be located elsewhere in the genome. This variant has not been reported in the literature in individuals affected with ACTN2-related conditions. In summary, the available evidence is currently insufficient to determine the role of this variant in disease. Therefore, it has been classified as a Variant of Uncertain Significance.

NC_000001.10:g.(?_236849974)_(236925919_?)dup

Gene: ACTN2 (actinin alpha 2; plus strand). Cytogenetic location: 1q43.
Variant type: Duplication.
Identifiers: ClinVar variation 1373541 (VCV001373541.5).